The following continues an entry in ClinVar:

NM_000059.4(BRCA2):c.3689del (p.Ser1230fs)

Gene: BRCA2. ClinVar aggregate classification (germline): Pathogenic. Pathogenic (1).

Submissions 10 to 17 of 17:

Women's Health and Genetics/Laboratory Corporation of America, LabCorp
Classification: Pathogenic for Hereditary breast and ovarian cancer syndrome. Last evaluated: 2020-12-18. Review status: criteria provided, single submitter. Criteria: LabCorp Variant Classification Summary - May 2015. Collection method: clinical testing. Allele origin: germline. Not counted in ClinVar's aggregate classification.
Comment: Variant summary: BRCA2 c.3689delC (p.Ser1230LeufsX9) results in a premature termination codon, predicted to cause a truncation of the encoded protein or absence of the protein due to nonsense mediated decay, which are commonly known mechanisms for disease. Truncations downstream of this position have been classified as pathogenic by our laboratory. The variant was absent in 252552 control chromosomes. c.3689delC has been reported in the literature in multiple individuals affected with Hereditary Breast And Ovarian Cancer Syndrome (example, Rebbeck_2018). These data indicate that the variant is very likely to be associated with disease. To our knowledge, no experimental evidence demonstrating an impact on protein function has been reported. Seven clinical diagnostic laboratories and one expert panel (ENIGMA) have submitted clinical-significance assessments for this variant to ClinVar after 2014 without evidence for independent evaluation. All submitters classified the variant as pathogenic. Based on the evidence outlined above, the variant was classified as pathogenic.

Revvity Omics, Revvity
Classification: Pathogenic. Last evaluated: 2019-07-01. Review status: criteria provided, single submitter. Criteria: ACMG Guidelines, 2015. Collection method: clinical testing. Allele origin: germline. Not counted in ClinVar's aggregate classification.

HudsonAlpha Institute for Biotechnology
Classification: Pathogenic for Breast-ovarian cancer, familial, susceptibility to, 2. Last evaluated: 2018-02-27. Review status: criteria provided, single submitter. Criteria: ACMG Guidelines, 2015. Collection method: research. Allele origin: unknown. Observed: 1 variant allele. Study: AGHI-GT-HudsonAlpha. Not counted in ClinVar's aggregate classification.

ARUP Laboratories, Molecular Genetics and Genomics, ARUP Laboratories
Classification: Pathogenic. Last evaluated: 2018-02-14. Review status: criteria provided, single submitter. Criteria: ARUP Molecular Germline Variant Investigation Process. Collection method: clinical testing. Allele origin: germline. Not counted in ClinVar's aggregate classification.
Comment: The BRCA2 c.3689delC: p.Ser1230fs variant (rs80359398), also known as 3917delC, is published in the medical literature in individuals with pancreatic or ovarian cancer (Lucas 2014, Song 2014). The variant is listed as pathogenic by several sources in the ClinVar database (Variation ID: 37853), but is not listed in the population databases (1000 Genomes Project, Exome Variant Server, Genome Aggregation Database), indicating it is not a common polymorphism. This variant deletes one nucleotide, causes a frameshift, and is predicted to result in a truncated protein or mRNA subject to nonsense-mediated decay. Considering available information, this variant is classified as pathogenic. References: Lucas AL et al. BRCA1 and BRCA2 germline mutations are frequently demonstrated in both high-risk pancreatic cancer screening and pancreatic cancer cohorts. Cancer. 2014 Jul 1;120(13):1960-7. Song H et al. The contribution of deleterious germline mutations in BRCA1, BRCA2 and the mismatch repair genes to ovarian cancer in the population. Hum Mol Genet. 2014 Sep 1;23(17):4703-9.

Consortium of Investigators of Modifiers of BRCA1/2 (CIMBA), c/o University of Cambridge
Classification: Pathogenic for Breast-ovarian cancer, familial, susceptibility to, 2. Last evaluated: 2015-10-02. Review status: criteria provided, single submitter. Criteria: CIMBA Mutation Classification guidelines May 2016. Collection method: clinical testing. Allele origin: germline. Not counted in ClinVar's aggregate classification.

Research Molecular Genetics Laboratory, Women's College Hospital, University of Toronto
Classification: Pathogenic for Hereditary breast ovarian cancer syndrome. Last evaluated: 2014-01-31. Review status: no assertion criteria provided. Collection method: research. Allele origin: germline. Affected: yes. Study: The Canadian Open Genetics Repository (COGR). Not counted in ClinVar's aggregate classification.

Sharing Clinical Reports Project (SCRP)
Classification: Pathogenic for Breast-ovarian cancer, familial 2. Last evaluated: 2012-04-03. Review status: no assertion criteria provided. Collection method: clinical testing. Allele origin: germline. Not counted in ClinVar's aggregate classification.

Breast Cancer Information Core (BIC) (BRCA2)
Classification: Pathogenic for Breast-ovarian cancer, familial 2. Last evaluated: 2002-05-29. Review status: no assertion criteria provided. Collection method: clinical testing. Allele origin: germline. Affected: yes. Observed: 6 variant alleles. Not counted in ClinVar's aggregate classification.

Literature cited by the submitters: PubMed 20104584 (cited by Labcorp Genetics (formerly Invitae), Labcorp); PubMed 24728189 (cited by 6 submitters); PubMed 24737347 (cited by 5 submitters); PubMed 27356891 (cited by 3 submitters); PubMed 27836010 (cited by Ambry Genetics and Quest Diagnostics Nichols Institute San Juan Capistrano); PubMed 18094411 (cited by Color Diagnostics, LLC DBA Color Health and Women's Health and Genetics/Laboratory Corporation of America, LabCorp); PubMed 29337092 (cited by Color Diagnostics, LLC DBA Color Health and All of Us Research Program, National Institutes of Health); PubMed 29446198 (cited by 3 submitters); PubMed 34994648 (cited by Color Diagnostics, LLC DBA Color Health and All of Us Research Program, National Institutes of Health); PubMed 32034076 (cited by All of Us Research Program, National Institutes of Health); PubMed 26295337 (cited by Quest Diagnostics Nichols Institute San Juan Capistrano); PubMed 28152038 (cited by Quest Diagnostics Nichols Institute San Juan Capistrano).